The following is an entry in ClinVar:

ClinVar aggregate classification (germline): Uncertain significance. Review status: criteria provided, multiple submitters, no conflicts (2 of 4 stars). 2 submissions from 2 submitters: Uncertain significance (2). Last evaluated 2022-10-01.

Conditions:
Hypertrophic cardiomyopathy 26. Also called: Cardiomyopathy, familial hypertrophic, 26. Identifiers: Orphanet 75249, MedGen C4310749, MONDO:0014883, OMIM 617047.
Distal myopathy with posterior leg and anterior hand involvement. Also called: WILLIAMS DISTAL MYOPATHY. Identifiers: Orphanet 63273, MedGen C3279722, MONDO:0013550, OMIM 614065.
Myofibrillar myopathy 5. Also called: Filaminopathy (type); FILAMINOPATHY, AUTOSOMAL DOMINANT. Identifiers: Orphanet 171445, MedGen C1836050, MONDO:0012289, OMIM 609524.

Allele frequency attached by ClinVar (database versions not stated): TOPMed below 0.00001; gnomAD 0.00001.

Submissions (2):

CeGaT Center for Human Genetics Tuebingen
Classification: Uncertain significance. Last evaluated: 2022-10-01. Review status: criteria provided, single submitter. Criteria: CeGaT Center For Human Genetics Tuebingen Variant Classification Criteria Version 2. Collection method: clinical testing. Allele origin: germline. Affected: yes. Observed: 1 variant allele.
Comment: FLNC: PM2

Labcorp Genetics (formerly Invitae), Labcorp
Classification: Uncertain significance for Distal myopathy with posterior leg and anterior hand involvement; Myofibrillar myopathy 5; Hypertrophic cardiomyopathy 26. Last evaluated: 2022-05-27. Review status: criteria provided, single submitter. Criteria: Invitae Variant Classification Sherloc (09022015). Collection method: clinical testing. Allele origin: germline.
Comment: In summary, the available evidence is currently insufficient to determine the role of this variant in disease. Therefore, it has been classified as a Variant of Uncertain Significance. Algorithms developed to predict the effect of missense changes on protein structure and function are either unavailable or do not agree on the potential impact of this missense change (SIFT: "Deleterious"; PolyPhen-2: "Probably Damaging"; Align-GVGD: "Class C0"). This variant has not been reported in the literature in individuals affected with FLNC-related conditions. This variant is not present in population databases (gnomAD no frequency). This sequence change replaces alanine, which is neutral and non-polar, with serine, which is neutral and polar, at codon 2442 of the FLNC protein (p.Ala2442Ser).

NM_001458.5(FLNC):c.7324G>T (p.Ala2442Ser)

Genes: FLNC (filamin C; plus strand), FLNC-AS1 (FLNC antisense RNA 1; minus strand). Cytogenetic location: 7q32.1.
Variant type: single nucleotide variant.
Coding change: c.7324G>T on transcript NM_001458.5 (MANE Select); coding-DNA position 7324, G replaced by T.
Protein change: p.Ala2442Ser; replaces alanine 2442 with serine.
Molecular consequence: missense variant.
Genome position (GRCh38, 1-based): chr7:128,856,590, G>T. VCF-style: chr7-128856590-G-T. GRCh37 (hg19) VCF-style: chr7-128496644-G-T.
Other names: c.7225G>T, p.Ala2409Ser (NM_001127487.2); short protein forms A2409S, A2442S.
Identifiers: ClinVar variation 1404804 (VCV001404804.36), dbSNP rs1160639957, ClinGen allele CA369216794.